The following is an entry in ClinVar:

ClinVar aggregate classification (germline): Uncertain significance (1 of 4 stars; one submission).

Submission:

Labcorp Genetics (formerly Invitae), Labcorp
Classification: Uncertain significance. Last evaluated: 2022-01-02. Review status: criteria provided, single submitter. Criteria: Invitae Variant Classification Sherloc (09022015). Collection method: clinical testing. Allele origin: germline.
Comment: This sequence change replaces glutamine, which is neutral and polar, with lysine, which is basic and polar, at codon 45 of the CDK13 protein (p.Gln45Lys). This variant is not present in population databases (gnomAD no frequency). In summary, the available evidence is currently insufficient to determine the role of this variant in disease. Therefore, it has been classified as a Variant of Uncertain Significance. Advanced modeling of protein sequence and biophysical properties (such as structural, functional, and spatial information, amino acid conservation, physicochemical variation, residue mobility, and thermodynamic stability) performed at Invitae indicates that this missense variant is not expected to disrupt CDK13 protein function. This variant has not been reported in the literature in individuals affected with CDK13-related conditions.

NM_003718.5(CDK13):c.133C>A (p.Gln45Lys)

Gene: CDK13 (cyclin dependent kinase 13; plus strand). Cytogenetic location: 7p14.1.
Variant type: single nucleotide variant.
Coding change: c.133C>A on transcript NM_003718.5 (MANE Select); coding-DNA position 133, C replaced by A.
Protein change: p.Gln45Lys; replaces glutamine 45 with lysine.
Molecular consequence: missense variant.
Genome position (GRCh38, 1-based): chr7:39,950,774, C>A. VCF-style: chr7-39950774-C-A. GRCh37 (hg19) VCF-style: chr7-39990373-C-A.
Other names: c.133C>A, p.Gln45Lys (NM_031267.4); short protein forms Q45K.
Identifiers: ClinVar variation 2070277 (VCV002070277.4), dbSNP rs557213181, ClinGen allele CA367308664.
Genomic context (GRCh38, chr7:39,950,774, plus strand): 5'-CGCCGCAAGCGGAGGCGATTCCTGTCCCCTCAGCAGCCGCCGCTGCTGTTGCCGCTCCTG[C>A]AGCCGCAGCTCCTGCAACCGCCGCCGCCCCCGCCGCCTCTGCTCTTCCTGGCTGCTCCCG-3'
Protein context (NP_003709.3, residues 35-55): QQPPLLLPLL[Gln45Lys]PQLLQPPPPP